The following is an entry in ClinVar:

NM_145261.4(DNAJC19):c.182G>A (p.Arg61Gln)

Gene: DNAJC19 (DnaJ heat shock protein family (Hsp40) member C19; minus strand). Cytogenetic location: 3q26.33.
Variant type: single nucleotide variant.
Coding change: c.182G>A on transcript NM_145261.4 (MANE Select); coding-DNA position 182, G replaced by A.
Protein change: p.Arg61Gln; replaces arginine 61 with glutamine.
Molecular consequence: missense variant. On other transcripts: non-coding transcript variant (1).
Genome position (GRCh38, 1-based): chr3:180,986,970, C>T on the plus strand (G>A on the coding strand, the complement: DNAJC19 is on the minus strand). VCF-style: chr3-180986970-C-T. GRCh37 (hg19) VCF-style: chr3-180704758-C-T.
Other names: p.R61Q:CGG>CAG; c.107G>A, p.Arg36Gln (NM_001190233.2); short protein forms R61Q, R36Q.
Identifiers: ClinVar variation 214299 (VCV000214299.14), dbSNP rs376891597, ClinGen allele CA325277.
Genomic context (GRCh38, chr3:180,986,970, plus strand): 5'-GAAAAATGCTAAAAATATTAGAGATTATTTTACCTTACACCTAGTATTAATGCTGCTTCC[C>T]GTTTTGTCATTTTGGGTTCAAACCCACCTCTATAATAGCCACCACTGAAGGCCTGAAAGA-3'
Protein context (NP_660304.1, residues 51-71): RGGFEPKMTK[Arg61Gln]EAALILGVSP

ClinVar aggregate classification (germline): Conflicting classifications of pathogenicity. Review status: criteria provided, conflicting classifications (1 of 4 stars). 3 submissions from 3 submitters: Uncertain significance (2); Likely benign (1). Last evaluated 2025-11-12.

Conditions:
Inborn genetic diseases. Identifiers: MedGen C0950123, MeSH D030342.
3-methylglutaconic aciduria type 5. Also called: 3 alpha methylglutaconic aciduria type V; MGA 5; CARDIOMYOPATHY, DILATED, WITH ATAXIA; MGA, TYPE V. Identifiers: Orphanet 66634, MedGen C1857776, MONDO:0012435, OMIM 610198.

Allele frequency attached by ClinVar (database versions not stated): gnomAD exomes 0.00012 and 0.00017; ESP Exome Variant Server 0.00015; TOPMed 0.00015; gnomAD 0.00016; ExAC 0.00021.

Submissions (3):

Labcorp Genetics (formerly Invitae), Labcorp
Classification: Likely benign for 3-methylglutaconic aciduria type 5. Last evaluated: 2025-11-12. Review status: criteria provided, single submitter. Criteria: Invitae Variant Classification Sherloc (09022015). Collection method: clinical testing. Allele origin: germline.

GeneDx
Classification: Uncertain significance. Last evaluated: 2023-12-28. Review status: criteria provided, single submitter. Criteria: GeneDx Variant Classification Process June 2021. Collection method: clinical testing. Allele origin: germline. Affected: yes.
Comment: In silico analysis supports that this missense variant has a deleterious effect on protein structure/function; Has not been previously published as pathogenic or benign to our knowledge

Ambry Genetics
Classification: Uncertain significance for Inborn genetic diseases. Last evaluated: 2021-08-13. Review status: criteria provided, single submitter. Criteria: Ambry Variant Classification Scheme 2023. Collection method: clinical testing. Allele origin: germline.